The following is an entry in ClinVar:

ClinVar aggregate classification (germline): Uncertain significance (1 of 4 stars; one submission).

Conditions:
SRCAP-related disorder. Also called: SRCAP-related condition.

Submission:

3billion
Classification: Uncertain significance for SRCAP-related disorder. Last evaluated: 2025-11-10. Review status: criteria provided, single submitter. Criteria: ACMG Guidelines, 2015. Collection method: clinical testing. Allele origin: germline. Affected: yes.
Comment: The variant is not observed in the gnomAD v4.1.0 dataset. Predicted Consequence/Location: Intron variant In silico tools predict the variant to alter splicing and produce an abnormal transcript [SpliceAI: 0.36 (>=0.2, moderate evidence for spliceogenicity)]. Therefore, this variant is classified as VUS according to the recommendation of ACMG/AMP guideline.

NM_006662.3(SRCAP):c.633+94A>G

Gene: SRCAP (Snf2 related CREBBP activator protein; plus strand). Cytogenetic location: 16p11.2.
Variant type: single nucleotide variant.
Coding change: c.633+94A>G on transcript NM_006662.3 (MANE Select); 94 bases into the intron after coding-DNA position 633, A replaced by G.
Molecular consequence: intron variant.
Genome position (GRCh38, 1-based): chr16:30,707,806, A>G. VCF-style: chr16-30707806-A-G. GRCh37 (hg19) VCF-style: chr16-30719127-A-G.
Identifiers: ClinVar variation 4854834 (VCV004854834.1).